The following is an entry in ClinVar:

ClinVar aggregate classification (germline): Uncertain significance. Review status: criteria provided, multiple submitters, no conflicts (2 of 4 stars). 6 submissions from 5 submitters: Uncertain significance (4). 2 of the submissions do not count toward it. Last evaluated 2026-01-09.

Conditions:
Cardiovascular phenotype. Identifiers: MedGen CN230736.
Hypertrophic cardiomyopathy 15. Identifiers: MedGen C2750459, MONDO:0013200, OMIM 613255.
Dilated cardiomyopathy 1W (CMD1W). Identifiers: Orphanet 154, MedGen C1969639, MONDO:0012667, OMIM 611407.
Primary familial hypertrophic cardiomyopathy (HCM). Identifiers: Orphanet 99739, MedGen C0949658, MeSH D024741, MONDO:0024573. Inheritance: Various modes of inheritance.

Allele frequency attached by ClinVar (database versions not stated): TOPMed 0.00001; gnomAD exomes 0.00005 and 0.00010; ExAC 0.00013; 1000 Genomes Project 0.00020; gnomAD 0.00001; 1000 Genomes Project 30x 0.00016.
gnomAD v4.1: 76 of 1,614,168 alleles (0.0047%); highest among the groups gnomAD compares: South Asian, 0.0066%; no homozygotes.

Submissions (6):

Ambry Genetics
Classification: Uncertain significance for Cardiovascular phenotype. Last evaluated: 2026-01-09. Review status: criteria provided, single submitter. Criteria: Ambry Variant Classification Scheme 2023. Collection method: clinical testing. Allele origin: germline.
Comment: The p.R975W variant (also known as c.2923C>T), located in coding exon 19 of the VCL gene, results from a C to T substitution at nucleotide position 2923. The arginine at codon 975 is replaced by tryptophan, an amino acid with dissimilar properties. This variant was reported in individual(s) with features consistent with dilated cardiomyopathy and hypertrophic cardiomyopathy (Olson TM et al. Circulation, 2002 Jan;105:431-7; Vasile VC et al. Biochem Biophys Res Commun, 2006 Oct;349:709-15). Functional studies suggest altered actin filament organization; however, additional evidence is needed to confirm this finding (Olson TM et al. Circulation, 2002 Jan;105:431-7). This amino acid position is well conserved in available vertebrate species. In addition, this alteration is predicted to be tolerated by in silico analysis. Based on the available evidence, the clinical significance of this variant remains unclear.

Labcorp Genetics (formerly Invitae), Labcorp
Classification: Uncertain significance for Dilated cardiomyopathy 1W. Last evaluated: 2026-01-05. Review status: criteria provided, single submitter. Criteria: Invitae Variant Classification Sherloc (09022015). Collection method: clinical testing. Allele origin: germline.
Comment: This sequence change replaces arginine, which is basic and polar, with tryptophan, which is neutral and slightly polar, at codon 975 of the VCL protein (p.Arg975Trp). This variant is present in population databases (rs121917776, gnomAD 0.03%). This missense change has been observed in individual(s) with hypertrophic cardiomyopathy (HCM) and dilated cardiomyopathy (DCM) (PMID: 11815424, 17097056). ClinVar contains an entry for this variant (Variation ID: 12197). An algorithm developed to predict the effect of missense changes on protein structure and function (PolyPhen-2) suggests that this variant is likely to be disruptive. Experimental studies have shown that this missense change affects VCL function (PMID: 23159629, 27503891). In summary, the available evidence is currently insufficient to determine the role of this variant in disease. Therefore, it has been classified as a Variant of Uncertain Significance.

Clinical Genetics Laboratory, Skane University Hospital Lund
Classification: Uncertain significance for Primary familial hypertrophic cardiomyopathy. Last evaluated: 2025-01-09. Review status: criteria provided, single submitter. Criteria: ACMG Guidelines, 2015. Collection method: clinical testing. Allele origin: germline. Affected: yes.
Comment: Observed in a heterozygous state, at our lab. ACMG criteria used: PS3_Moderate (PMID: 27503891)

Fulgent Genetics
Classification: Uncertain significance for Dilated cardiomyopathy 1W; Hypertrophic cardiomyopathy 15. Last evaluated: 2021-10-28. Review status: criteria provided, single submitter. Criteria: ACMG Guidelines, 2015. Collection method: clinical testing. Allele origin: unknown.

OMIM
Classification: Pathogenic for CARDIOMYOPATHY, DILATED, 1W. Last evaluated: 2006-10-20. Review status: no assertion criteria provided. Collection method: literature only. Allele origin: germline. Not counted in ClinVar's aggregate classification.

OMIM
Classification: Pathogenic for CARDIOMYOPATHY, FAMILIAL HYPERTROPHIC, 15. Last evaluated: 2006-10-20. Review status: no assertion criteria provided. Collection method: literature only. Allele origin: germline. Not counted in ClinVar's aggregate classification.

Literature cited by the submitters: PubMed 11815424 (cited by 3 submitters); PubMed 16236538 (cited by Ambry Genetics and OMIM); PubMed 16712796 (cited by Ambry Genetics); PubMed 16949038 (cited by Ambry Genetics and OMIM); PubMed 17097056 (cited by Ambry Genetics and Labcorp Genetics (formerly Invitae), Labcorp); PubMed 23299917 (cited by Ambry Genetics); PubMed 27503891 (cited by Ambry Genetics and Labcorp Genetics (formerly Invitae), Labcorp); PubMed 23159629 (cited by Labcorp Genetics (formerly Invitae), Labcorp).

NM_014000.3(VCL):c.2923C>T (p.Arg975Trp)

Gene: VCL (vinculin; plus strand). Cytogenetic location: 10q22.2.
Variant type: single nucleotide variant.
Coding change: c.2923C>T on transcript NM_014000.3 (MANE Select); coding-DNA position 2923, C replaced by T.
Protein change: p.Arg975Trp; replaces arginine 975 with tryptophan.
Molecular consequence: missense variant. On other transcripts: intron variant (1).
Genome position (GRCh38, 1-based): chr10:74,112,086, C>T. VCF-style: chr10-74112086-C-T. GRCh37 (hg19) VCF-style: chr10-75871844-C-T.
Other names: c.2746-2098C>T (NM_003373.4); short protein forms R975W.
Identifiers: ClinVar variation 12197 (VCV000012197.19), dbSNP rs121917776, ClinGen allele CA121939.
Genomic context (GRCh38, chr10:74,112,086, plus strand): 5'-TTAATGCCATCCAATCAGCCGGTCAACCAGCCCATTCTGGCCGCGGCTCAGTCCTTGCAT[C>T]GGGAAGCTACCAAGTGGTCTAGTAAGGTACTGATAAGCACCCCCAGTTGGGGGCTGCTCC-3'
Protein context (NP_054706.1, residues 965-985): PILAAAQSLH[Arg975Trp]EATKWSSKGN